The following is an entry in ClinVar:

NM_001330700.2(TOP2B):c.4265C>T (p.Thr1422Ile)

Gene: TOP2B (DNA topoisomerase II beta; minus strand). Cytogenetic location: 3p24.2.
Variant type: single nucleotide variant.
Coding change: c.4265C>T on transcript NM_001330700.2 (MANE Select); coding-DNA position 4265, C replaced by T.
Protein change: p.Thr1422Ile; replaces threonine 1422 with isoleucine.
Molecular consequence: missense variant.
Genome position (GRCh38, 1-based): chr3:25,607,204, G>A on the plus strand (C>T on the coding strand, the complement: TOP2B is on the minus strand). VCF-style: chr3-25607204-G-A. GRCh37 (hg19) VCF-style: chr3-25648695-G-A.
Other names: c.4250C>T, p.Thr1417Ile (NM_001068.3); short protein forms T1417I, T1422I.
Identifiers: ClinVar variation 4781827 (VCV004781827.1).
Genomic context (GRCh38, chr3:25,607,204, plus strand): 5'-ACCACATCACTAAATAGCATTACTTACTCTGGAGTGGCTTTTGATTTGCCTGGTGAAAAT[G>A]TATATTCATCTTTATCTAACCCATCTGAAGGAACAAATTCATCTTCCCCATCATTTGTTA-3'
Protein context (NP_001317629.1, residues 1412-1432): PSDGLDKDEY[Thr1422Ile]FSPGKSKATP

ClinVar aggregate classification (germline): Uncertain significance (1 of 4 stars; one submission).

Submission:

Labcorp Genetics (formerly Invitae), Labcorp
Classification: Uncertain significance. Last evaluated: 2025-02-06. Review status: criteria provided, single submitter. Criteria: Invitae Variant Classification Sherloc (09022015). Collection method: clinical testing. Allele origin: germline.
Comment: This sequence change replaces threonine, which is neutral and polar, with isoleucine, which is neutral and non-polar, at codon 1417 of the TOP2B protein (p.Thr1417Ile). This variant is not present in population databases (gnomAD no frequency). This variant has not been reported in the literature in individuals affected with TOP2B-related conditions. An algorithm developed to predict the effect of missense changes on protein structure and function (PolyPhen-2) suggests that this variant is likely to be tolerated. In summary, the available evidence is currently insufficient to determine the role of this variant in disease. Therefore, it has been classified as a Variant of Uncertain Significance.